The following is an entry in ClinVar:

NM_001036.6(RYR3):c.3083G>A (p.Arg1028His)

Gene: RYR3 (ryanodine receptor 3; plus strand). Cytogenetic location: 15q14.
Variant type: single nucleotide variant.
Coding change: c.3083G>A on transcript NM_001036.6 (MANE Select); coding-DNA position 3083, G replaced by A.
Protein change: p.Arg1028His; replaces arginine 1028 with histidine.
Molecular consequence: missense variant.
Genome position (GRCh38, 1-based): chr15:33,634,641, G>A. VCF-style: chr15-33634641-G-A. GRCh37 (hg19) VCF-style: chr15-33926842-G-A.
Other names: c.3083G>A, p.Arg1028His (NM_001243996.4); short protein forms R1028H.
Identifiers: ClinVar variation 569409 (VCV000569409.9), dbSNP rs575120914, ClinGen allele CA7458611.

ClinVar aggregate classification (germline): Uncertain significance (1 of 4 stars; one submission).

Conditions:
Epileptic encephalopathy. Identifiers: MedGen C0543888, HP:0200134.

Allele frequency attached by ClinVar (database versions not stated): gnomAD exomes 0.00005; gnomAD 0.00007 and 0.00008; 1000 Genomes Project 0.00020; ExAC 0.00004; TOPMed 0.00008; 1000 Genomes Project 30x 0.00016.
gnomAD v4.1: 129 of 1,613,820 alleles (0.008%); highest among the groups gnomAD compares: South Asian, 0.013%; no homozygotes.

Submission:

Labcorp Genetics (formerly Invitae), Labcorp
Classification: Uncertain significance for Epileptic encephalopathy. Last evaluated: 2024-10-17. Review status: criteria provided, single submitter. Criteria: Invitae Variant Classification Sherloc (09022015). Collection method: clinical testing. Allele origin: germline.
Comment: This sequence change replaces arginine, which is basic and polar, with histidine, which is basic and polar, at codon 1028 of the RYR3 protein (p.Arg1028His). This variant is present in population databases (rs575120914, gnomAD 0.01%). This variant has not been reported in the literature in individuals affected with RYR3-related conditions. ClinVar contains an entry for this variant (Variation ID: 569409). An algorithm developed to predict the effect of missense changes on protein structure and function (PolyPhen-2) suggests that this variant is likely to be disruptive. In summary, the available evidence is currently insufficient to determine the role of this variant in disease. Therefore, it has been classified as a Variant of Uncertain Significance.